The following is an entry in ClinVar:

NM_002474.3(MYH11):c.3891C>T (p.Asn1297=)

Genes: MYH11 (myosin heavy chain 11; minus strand), NDE1 (nudE neurodevelopment protein 1; plus strand). Cytogenetic location: 16p13.11.
Variant type: single nucleotide variant.
Coding change: c.3891C>T on transcript NM_002474.3 (MANE Select); coding-DNA position 3891, C replaced by T.
Protein change: p.Asn1297=; no amino-acid change (asparagine 1297 retained).
Molecular consequence: synonymous variant. On other transcripts: 3 prime UTR variant (2).
Genome position (GRCh38, 1-based): chr16:15,724,960, G>A on the plus strand (C>T on the coding strand, the complement: MYH11 is on the minus strand). VCF-style: chr16-15724960-G-A. GRCh37 (hg19) VCF-style: chr16-15818817-G-A.
Other names: p.Asn1304=; c.3912C>T, p.Asn1304= (NM_001040113.2, NM_001040114.2); c.3891C>T, p.Asn1297= (NM_022844.3); c.*709G>A (NM_001143979.2, NM_017668.3).
Identifiers: ClinVar variation 465731 (VCV000465731.59), dbSNP rs541280738, ClinGen allele CA7921844.

ClinVar aggregate classification (germline): Benign/Likely benign. Review status: criteria provided, multiple submitters, no conflicts (2 of 4 stars). 9 submissions from 9 submitters: Benign (1); Likely benign (8). Last evaluated 2025-10-11.

Conditions:
Familial thoracic aortic aneurysm and aortic dissection (TAAD). Also called: Thoracic aortic aneurysms and dissections. Identifiers: Orphanet 91387, MedGen C4707243, MONDO:0019625.
Aortic aneurysm, familial thoracic 4 (AAT4). Also called: AORTIC ANEURYSM/AORTIC DISSECTION AND PATENT DUCTUS ARTERIOSUS. Identifiers: MedGen C1851504, MONDO:0007568, OMIM 132900.

Allele frequency attached by ClinVar (database versions not stated): TOPMed 0.00003; ExAC 0.00010; gnomAD exomes 0.00013; 1000 Genomes Project 30x 0.00047; 1000 Genomes Project 0.00060.
gnomAD v4.1: 117 of 1,614,084 alleles (0.0072%); highest among the groups gnomAD compares: South Asian, 0.083%; no homozygotes.

Submissions (9):

Labcorp Genetics (formerly Invitae), Labcorp
Classification: Likely benign for Aortic aneurysm, familial thoracic 4. Last evaluated: 2025-10-11. Review status: criteria provided, single submitter. Criteria: Invitae Variant Classification Sherloc (09022015). Collection method: clinical testing. Allele origin: germline.

CeGaT Center for Human Genetics Tuebingen
Classification: Likely benign. Last evaluated: 2025-09-01. Review status: criteria provided, single submitter. Criteria: CeGaT Center For Human Genetics Tuebingen Variant Classification Criteria Version 2. Collection method: clinical testing. Allele origin: germline. Affected: yes. Observed: 3 variant alleles.
Comment: MYH11: BP4, BP7

Mayo Clinic Laboratories, Mayo Clinic
Classification: Likely benign. Last evaluated: 2025-08-28. Review status: criteria provided, single submitter. Criteria: ACMG Guidelines, 2015. Collection method: clinical testing. Allele origin: germline. Observed: 1 variant allele.
Comment: BS1, BP4, BP7

Women's Health and Genetics/Laboratory Corporation of America, LabCorp
Classification: Benign. Last evaluated: 2024-10-06. Review status: criteria provided, single submitter. Criteria: LabCorp Variant Classification Summary - May 2015. Collection method: clinical testing. Allele origin: germline.

All of Us Research Program, National Institutes of Health
Classification: Likely benign for Familial thoracic aortic aneurysm and aortic dissection. Last evaluated: 2024-08-13. Review status: criteria provided, single submitter. Criteria: ACMG Guidelines, 2015. Collection method: clinical testing. Allele origin: germline. Inheritance: Autosomal dominant inheritance. Observed: 16 variant alleles, 15 heterozygotes, 1 homozygote.
Comment: This study involves interpretation of variants in research participants for the purpose of population health screening. Participant phenotype was not available at the time of variant classification. Additional details can be found in publication PMID: 35346344, PMCID: PMC8962531

Blueprint Genetics
Classification: Likely benign. Last evaluated: 2023-10-19. Review status: criteria provided, single submitter. Criteria: ACMG Guidelines, 2015. Collection method: clinical testing. Allele origin: germline.

GeneDx
Classification: Likely benign. Last evaluated: 2020-09-08. Review status: criteria provided, single submitter. Criteria: GeneDx Variant Classification Process June 2021. Collection method: clinical testing. Allele origin: germline. Affected: yes.

Ambry Genetics
Classification: Likely benign for Familial thoracic aortic aneurysm and aortic dissection. Last evaluated: 2020-01-12. Review status: criteria provided, single submitter. Criteria: Ambry Variant Classification Scheme 2023. Collection method: clinical testing. Allele origin: germline.

Color Diagnostics, LLC DBA Color Health
Classification: Likely benign for Familial thoracic aortic aneurysm and aortic dissection. Last evaluated: 2018-10-15. Review status: criteria provided, single submitter. Criteria: ACMG Guidelines, 2015. Collection method: clinical testing. Allele origin: germline.